The following is an entry in ClinVar:

ClinVar aggregate classification (germline): Conflicting classifications of pathogenicity. Review status: criteria provided, conflicting classifications (1 of 4 stars). 2 submissions from 2 submitters: Uncertain significance (1); Benign (1). Last evaluated 2025-09-09.

Conditions:
Familial adenomatous polyposis 2. Also called: FAP type 2; MUTYH Polyposis; COLORECTAL ADENOMATOUS POLYPOSIS, AUTOSOMAL RECESSIVE; ADENOMAS, MULTIPLE COLORECTAL, AUTOSOMAL RECESSIVE; MUTYH-associated polyposis; MUTYH-related attenuated familial adenomatous polyposis. Identifiers: Orphanet 220460, Orphanet 247798, MedGen C3272841, MONDO:0012041, OMIM 608456.
Hereditary cancer-predisposing syndrome. Also called: Tumor predisposition; Hereditary Cancer Syndrome; Hereditary neoplastic syndrome; Neoplastic Syndromes, Hereditary. Identifiers: Orphanet 140162, MedGen C0027672, MeSH D009386, MONDO:0015356.

Submissions (2):

Ambry Genetics
Classification: Benign for Hereditary cancer-predisposing syndrome. Last evaluated: 2025-09-09. Review status: criteria provided, single submitter. Criteria: Ambry Variant Classification Scheme 2023. Collection method: clinical testing. Allele origin: germline.

Labcorp Genetics (formerly Invitae), Labcorp
Classification: Uncertain significance for Familial adenomatous polyposis 2. Last evaluated: 2022-10-03. Review status: criteria provided, single submitter. Criteria: Invitae Variant Classification Sherloc (09022015). Collection method: clinical testing. Allele origin: germline.
Comment: In summary, the available evidence is currently insufficient to determine the role of this variant in disease. Therefore, it has been classified as a Variant of Uncertain Significance. Algorithms developed to predict the effect of missense changes on protein structure and function (SIFT, PolyPhen-2, Align-GVGD) all suggest that this variant is likely to be tolerated. ClinVar contains an entry for this variant (Variation ID: 822250). This variant has not been reported in the literature in individuals affected with MUTYH-related conditions. This variant is not present in population databases (gnomAD no frequency). This sequence change replaces alanine, which is neutral and non-polar, with valine, which is neutral and non-polar, at codon 382 of the MUTYH protein (p.Ala382Val).

Literature cited by the submitters: PubMed 40738107 (cited by Ambry Genetics).

NM_001048174.2(MUTYH):c.1061C>T (p.Ala354Val)

Gene: MUTYH (mutY DNA glycosylase; minus strand). Cytogenetic location: 1p34.1.
Variant type: single nucleotide variant.
Coding change: c.1061C>T on transcript NM_001048174.2 (MANE Select); coding-DNA position 1061, C replaced by T.
Protein change: p.Ala354Val; replaces alanine 354 with valine.
Molecular consequence: missense variant. On other transcripts: non-coding transcript variant (2).
Genome position (GRCh38, 1-based): chr1:45,331,702, G>A on the plus strand (C>T on the coding strand, the complement: MUTYH is on the minus strand). VCF-style: chr1-45331702-G-A. GRCh37 (hg19) VCF-style: chr1-45797374-G-A.
Other names: c.1061C>T, p.Ala354Val (NM_001048171.2, NM_001048173.2, NM_001293195.2); c.1064C>T, p.Ala355Val (NM_001048172.2); c.1145C>T, p.Ala382Val (NM_001128425.2); c.1106C>T, p.Ala369Val (NM_001293190.2); c.1094C>T, p.Ala365Val (NM_001293191.2); c.785C>T, p.Ala262Val (NM_001293192.2, NM_001293196.2); c.716C>T, p.Ala239Val (NM_001350650.2, NM_001350651.2); c.1136C>T, p.Ala379Val (NM_012222.3); short protein forms A262V, A382V, A239V, A354V, A369V, A365V, A355V, A379V.
Identifiers: ClinVar variation 822250 (VCV000822250.12), dbSNP rs1570381679, ClinGen allele CA340133402.